The following is an entry in ClinVar:

ClinVar aggregate classification (germline): Likely benign. Review status: criteria provided, multiple submitters, no conflicts (2 of 4 stars). 4 submissions from 4 submitters: Likely benign (4). Last evaluated 2026-01-10.

Conditions:
Cardiovascular phenotype. Identifiers: MedGen CN230736.
Myofibrillar myopathy 5. Also called: FILAMINOPATHY, AUTOSOMAL DOMINANT; Filaminopathy (type). Identifiers: Orphanet 171445, MedGen C1836050, MONDO:0012289, OMIM 609524.
Hypertrophic cardiomyopathy 26. Also called: Cardiomyopathy, familial hypertrophic, 26. Identifiers: Orphanet 75249, MedGen C4310749, MONDO:0014883, OMIM 617047.
Distal myopathy with posterior leg and anterior hand involvement. Also called: WILLIAMS DISTAL MYOPATHY. Identifiers: Orphanet 63273, MedGen C3279722, MONDO:0013550, OMIM 614065.

Allele frequency attached by ClinVar (database versions not stated): gnomAD exomes 0.00001 and 0.00002; ExAC 0.00002; gnomAD 0.00002; TOPMed 0.00002.
gnomAD v4.1: 22 of 1,613,824 alleles (0.0014%); highest among the groups gnomAD compares: Non-Finnish European, 0.0018%; no homozygotes.

Submissions (4):

Labcorp Genetics (formerly Invitae), Labcorp
Classification: Likely benign for Distal myopathy with posterior leg and anterior hand involvement; Myofibrillar myopathy 5; Hypertrophic cardiomyopathy 26. Last evaluated: 2026-01-10. Review status: criteria provided, single submitter. Criteria: Invitae Variant Classification Sherloc (09022015). Collection method: clinical testing. Allele origin: germline.

Blueprint Genetics
Classification: Likely benign. Last evaluated: 2021-10-12. Review status: criteria provided, single submitter. Criteria: ACMG Guidelines, 2015. Collection method: clinical testing. Allele origin: germline.

Ambry Genetics
Classification: Likely benign for Cardiovascular phenotype. Last evaluated: 2021-01-28. Review status: criteria provided, single submitter. Criteria: Ambry Variant Classification Scheme 2023. Collection method: clinical testing. Allele origin: germline.

GeneDx
Classification: Likely benign. Last evaluated: 2018-04-25. Review status: criteria provided, single submitter. Criteria: GeneDx Variant Classification (06012015). Collection method: clinical testing. Allele origin: germline. Affected: yes.
Comment: This variant is considered likely benign or benign based on one or more of the following criteria: it is a conservative change, it occurs at a poorly conserved position in the protein, it is predicted to be benign by multiple in silico algorithms, and/or has population frequency not consistent with disease.

NM_001458.5(FLNC):c.3837C>T (p.Ser1279=)

Gene: FLNC (filamin C; plus strand). Cytogenetic location: 7q32.1.
Variant type: single nucleotide variant.
Coding change: c.3837C>T on transcript NM_001458.5 (MANE Select); coding-DNA position 3837, C replaced by T.
Protein change: p.Ser1279=; no amino-acid change (serine 1279 retained).
Molecular consequence: synonymous variant.
Genome position (GRCh38, 1-based): chr7:128,846,036, C>T. VCF-style: chr7-128846036-C-T. GRCh37 (hg19) VCF-style: chr7-128486090-C-T.
Other names: c.3837C>T, p.Ser1279= (NM_001127487.2).
Identifiers: ClinVar variation 682322 (VCV000682322.13), dbSNP rs761100799, ClinGen allele CA4475152.